The following is an entry in ClinVar:

NM_014140.4(SMARCAL1):c.403A>G (p.Lys135Glu)

Gene: SMARCAL1 (SNF2 related chromatin remodeling annealing helicase 1; plus strand). Cytogenetic location: 2q35.
Variant type: single nucleotide variant.
Coding change: c.403A>G on transcript NM_014140.4 (MANE Select); coding-DNA position 403, A replaced by G.
Protein change: p.Lys135Glu; replaces lysine 135 with glutamic acid.
Molecular consequence: missense variant.
Genome position (GRCh38, 1-based): chr2:216,415,107, A>G. VCF-style: chr2-216415107-A-G. GRCh37 (hg19) VCF-style: chr2-217279830-A-G.
Other names: c.403A>G, p.Lys135Glu (NM_001127207.2); short protein forms K135E.
Identifiers: ClinVar variation 2147529 (VCV002147529.1), dbSNP rs1417038083, ClinGen allele CA350497221.

ClinVar aggregate classification (germline): Uncertain significance (1 of 4 stars; one submission).

Conditions:
Schimke immuno-osseous dysplasia (SIOD). Also called: Schimke Immunoosseous Dysplasia. Identifiers: Orphanet 1830, MedGen C0877024, MONDO:0009458, OMIM 242900.

Allele frequency attached by ClinVar (database versions not stated): gnomAD 0.00001; gnomAD exomes 0.00001; TOPMed 0.00001.
gnomAD v4.1: 18 of 1,613,786 alleles (0.0011%); highest among the groups gnomAD compares: Non-Finnish European, 0.0015%; no homozygotes.

Submission:

Labcorp Genetics (formerly Invitae), Labcorp
Classification: Uncertain significance for Schimke immuno-osseous dysplasia. Last evaluated: 2022-09-01. Review status: criteria provided, single submitter. Criteria: Invitae Variant Classification Sherloc (09022015). Collection method: clinical testing. Allele origin: germline.
Comment: This sequence change replaces lysine, which is basic and polar, with glutamic acid, which is acidic and polar, at codon 135 of the SMARCAL1 protein (p.Lys135Glu). This variant is not present in population databases (gnomAD no frequency). This variant has not been reported in the literature in individuals affected with SMARCAL1-related conditions. Algorithms developed to predict the effect of missense changes on protein structure and function (SIFT, PolyPhen-2, Align-GVGD) all suggest that this variant is likely to be tolerated. In summary, the available evidence is currently insufficient to determine the role of this variant in disease. Therefore, it has been classified as a Variant of Uncertain Significance.